The following is an entry in ClinVar:

NM_004247.4(EFTUD2):c.2166C>A (p.Tyr722Ter)

Gene: EFTUD2 (elongation factor Tu GTP binding domain containing 2; minus strand). Cytogenetic location: 17q21.31.
Variant type: single nucleotide variant.
Coding change: c.2166C>A on transcript NM_004247.4 (MANE Select); coding-DNA position 2166, C replaced by A.
Protein change: p.Tyr722Ter; replaces tyrosine 722 with a stop codon.
Molecular consequence: nonsense.
Genome position (GRCh38, 1-based): chr17:44,854,649, G>T on the plus strand (C>A on the coding strand, the complement: EFTUD2 is on the minus strand). VCF-style: chr17-44854649-G-T. GRCh37 (hg19) VCF-style: chr17-42932017-G-T.
Other names: c.2061C>A, p.Tyr687Ter (NM_001142605.2); c.2166C>A, p.Tyr722Ter (NM_001258353.2); c.2136C>A, p.Tyr712Ter (NM_001258354.2); short protein forms Y687*, Y712*, Y722*.
Identifiers: ClinVar variation 1687197 (VCV001687197.1), dbSNP rs1240441464, ClinGen allele CA399843195.

ClinVar aggregate classification (germline): Likely pathogenic (1 of 4 stars; one submission).

Conditions:
Mandibulofacial dysostosis-microcephaly syndrome (MFDGA). Also called: Mandibulofacial dysostosis, Guion-Almeida type; Growth and mental retardation, mandibulofacial dysostosis, microcephaly, and cleft palate. Identifiers: Orphanet 79113, MedGen C1864652, MONDO:0012516, OMIM 610536.

Submission:

3billion
Classification: Likely pathogenic for Mandibulofacial dysostosis-microcephaly syndrome. Last evaluated: 2022-05-22. Review status: criteria provided, single submitter. Criteria: ACMG Guidelines, 2015. Collection method: clinical testing. Allele origin: germline. Affected: yes. Observed: 1 heterozygote.
Comment: The variant is not observed in the gnomAD v2.1.1 dataset. Stop-gained (nonsense): predicted to result in a loss or disruption of normal protein function through nonsense-mediated decay (NMD) or protein truncation. Multiple pathogenic variants are reported downstream of the variant. Therefore, this variant is classified as likely pathogenic according to the recommendation of ACMG/AMP guideline.